The following is an entry in ClinVar:

NM_016239.4(MYO15A):c.8602-8_8602-5del

Gene: MYO15A (myosin XVA; plus strand). Cytogenetic location: 17p11.2.
Variant type: Deletion.
Coding change: c.8602-8_8602-5del on transcript NM_016239.4 (MANE Select); 8 bases into the intron before coding-DNA position 8602 through 5 bases into the intron before coding-DNA position 8602, 4 bases deleted (TGAC; older notation c.8602-8_8602-5delTGAC).
Molecular consequence: intron variant.
Genome position (GRCh38, 1-based): chr17:18,156,946-18,156,949, TGAC deleted; deleting any 4 consecutive bases within chr17:18,156,945-18,156,949 gives the same sequence; the c. name uses the placement nearest the transcript's 3' end. VCF-style (leftmost placement, unchanged base first): chr17-18156944-GCTGA-G. GRCh37 (hg19) VCF-style: chr17-18060258-GCTGA-G.
Identifiers: ClinVar variation 228969 (VCV000228969.8), dbSNP rs876657907, ClinGen allele CA8425214.
Genomic context (GRCh38, chr17:18,156,944, plus strand): 5'-GGGGTGGCCCTAGGCCTCTGGGAGTGGGGTGATAGGGCTGTTGCCCTCACCCTGCCTCTG[GCTGA>G]CCCAGGACTCTGACTACGTGGTCGCTGTGAGGAACTTCCTGCCTGAGGACCCTGCGCTGC-3'

ClinVar aggregate classification (germline): Conflicting classifications of pathogenicity. Review status: criteria provided, conflicting classifications (1 of 4 stars). 2 submissions from 2 submitters: Uncertain significance (1); Benign (1). Last evaluated 2025-01-27.

Submissions (2):

Labcorp Genetics (formerly Invitae), Labcorp
Classification: Benign. Last evaluated: 2025-01-27. Review status: criteria provided, single submitter. Criteria: Invitae Variant Classification Sherloc (09022015). Collection method: clinical testing. Allele origin: germline.

Laboratory for Molecular Medicine, Mass General Brigham Personalized Medicine
Classification: Uncertain significance. Last evaluated: 2016-06-02. Review status: criteria provided, single submitter. Criteria: LMM Criteria. Collection method: clinical testing. Allele origin: germline. Observed: 2 variant alleles.
Comment: The c.8602-8_8602-5delTGAC variant in MYO15A has now been identified by our labo ratory in two individuals with hearing loss, neither of whom had a second MYO15A variant. This variant has also been identified in 17/66206 of European chromoso mes by the Exome Aggregation Consortium (ExAC; d bSNP rs374176599). Although this variant has been seen in the general population , its frequency is not high enough to rule out a pathogenic role. This variant i s located in the 3' splice region. Computational tools do not suggest an impact to splicing; however, this information is not predictive enough to rule out path ogenicity. In summary, the clinical significance of the c.8602-8_8602-5delTGAC v ariant is uncertain.